The following is an entry in ClinVar:

NM_001286.5(CLCN6):c.1387G>A (p.Val463Ile)

Gene: CLCN6 (Cl-/H+ antiporter 6; plus strand). Cytogenetic location: 1p36.22.
Variant type: single nucleotide variant.
Coding change: c.1387G>A on transcript NM_001286.5 (MANE Select); coding-DNA position 1387, G replaced by A.
Protein change: p.Val463Ile; replaces valine 463 with isoleucine.
Molecular consequence: missense variant. On other transcripts: non-coding transcript variant (1).
Genome position (GRCh38, 1-based): chr1:11,833,891, G>A. VCF-style: chr1-11833891-G-A. GRCh37 (hg19) VCF-style: chr1-11893948-G-A.
Other names: c.1321G>A, p.Val441Ile (NM_001256959.2); short protein forms V441I, V463I.
Identifiers: ClinVar variation 1503591 (VCV001503591.10), dbSNP rs149492290, ClinGen allele CA596467.

ClinVar aggregate classification (germline): Uncertain significance. Review status: criteria provided, multiple submitters, no conflicts (2 of 4 stars). 2 submissions from 2 submitters: Uncertain significance (2). Last evaluated 2025-09-29.

Allele frequency attached by ClinVar (database versions not stated): TOPMed 0.00004; ESP Exome Variant Server 0.00008; gnomAD 0.00003 and 0.00004; gnomAD exomes 0.00003 and 0.00007; ExAC 0.00006.
gnomAD v4.1: 45 of 1,610,942 alleles (0.0028%); highest among the groups gnomAD compares: Admixed American, 0.02%; no homozygotes.

Submissions (2):

Dasa
Classification: Uncertain significance. Last evaluated: 2025-09-29. Review status: criteria provided, single submitter. Criteria: DASA Assertion Criteria. Collection method: clinical testing. Allele origin: germline.
Comment: NM_001286.5(CLCN6):c.1387G>A (p.Val463Ile) is a missense variant that results in the substitution of valine with isoleucine. This variant is rare in population databases. The currently available literature and clinical evidence are not sufficient to establish a definitive association between this variant and the reported condition. Therefore, this variant is classified as a variant of uncertain significance.

Labcorp Genetics (formerly Invitae), Labcorp
Classification: Uncertain significance. Last evaluated: 2025-03-11. Review status: criteria provided, single submitter. Criteria: Invitae Variant Classification Sherloc (09022015). Collection method: clinical testing. Allele origin: germline.
Comment: This sequence change replaces valine, which is neutral and non-polar, with isoleucine, which is neutral and non-polar, at codon 463 of the CLCN6 protein (p.Val463Ile). This variant is present in population databases (rs149492290, gnomAD 0.04%), and has an allele count higher than expected for a pathogenic variant. This variant has not been reported in the literature in individuals affected with CLCN6-related conditions. ClinVar contains an entry for this variant (Variation ID: 1503591). An algorithm developed to predict the effect of missense changes on protein structure and function outputs the following: PolyPhen-2: "Benign". The isoleucine amino acid residue is found in multiple mammalian species, which suggests that this missense change does not adversely affect protein function. In summary, the available evidence is currently insufficient to determine the role of this variant in disease. Therefore, it has been classified as a Variant of Uncertain Significance.